The following is an entry in ClinVar:

NM_005243.4(EWSR1):c.1046-17C>G

Gene: EWSR1 (EWS RNA binding protein 1; plus strand). Cytogenetic location: 22q12.2.
Variant type: single nucleotide variant.
Coding change: c.1046-17C>G on transcript NM_005243.4 (MANE Select); 17 bases into the intron before coding-DNA position 1046, C replaced by G.
Molecular consequence: intron variant.
Genome position (GRCh38, 1-based): chr22:29,292,471, C>G. VCF-style: chr22-29292471-C-G. GRCh37 (hg19) VCF-style: chr22-29688460-C-G.
Other names: NC_000022.10:g.29688460C>G; c.1061-17C>G (NM_013986.4); c.1043-17C>G (NM_001163285.2); c.878-17C>G (NM_001163286.2).
Identifiers: ClinVar variation 2653042 (VCV002653042.25), dbSNP rs41309649, ClinGen allele CA10171624.
Genomic context (GRCh38, chr22:29,292,471, plus strand): 5'-GGGCAGTAGTGATCAGGTAGTTAAGAAACCCCTATAGATACATGATAATAATTCTCCTGT[C>G]TTGTTGTCTCTGAAAGGCCCACCTGTAGATCCAGATGAAGACTCTGACAACAGTGCAATT-3'

ClinVar aggregate classification (germline): Benign (1 of 4 stars; one submission).

Allele frequency attached by ClinVar (database versions not stated): gnomAD 0.00624; TOPMed 0.00639; ExAC 0.00702; ESP Exome Variant Server 0.00761.

Submissions (23):

CeGaT Center for Human Genetics Tuebingen
Classification: Benign. Last evaluated: 2024-01-01. Review status: criteria provided, single submitter. Criteria: CeGaT Center For Human Genetics Tuebingen Variant Classification Criteria Version 2. Collection method: clinical testing. Allele origin: germline. Affected: yes. Observed: 2 variant alleles.
Comment: EWSR1: BS1, BS2

Dr. Peter K. Rogan Lab, Western University
No classification provided (evidence only). Condition: Lung cancer. Review status: no classification provided. Collection method: in vitro. Allele origin: not applicable. Functional consequence: skipped exon. Not counted in ClinVar's aggregate classification.

Dr. Peter K. Rogan Lab, Western University
No classification provided (evidence only). Condition: Acute myeloid leukemia. Review status: no classification provided. Collection method: in vitro. Allele origin: not applicable. Functional consequence: skipped exon, retained intron. Not counted in ClinVar's aggregate classification.

Dr. Peter K. Rogan Lab, Western University
No classification provided (evidence only). Condition: Acute myeloid leukemia. Review status: no classification provided. Collection method: in vitro. Allele origin: not applicable. Functional consequence: retained intron. Not counted in ClinVar's aggregate classification.

Dr. Peter K. Rogan Lab, Western University
No classification provided (evidence only). Condition: Acute myeloid leukemia. Review status: no classification provided. Collection method: in vitro. Allele origin: not applicable. Functional consequence: skipped exon, retained intron. Not counted in ClinVar's aggregate classification.

Dr. Peter K. Rogan Lab, Western University
No classification provided (evidence only). Condition: Acute myeloid leukemia. Review status: no classification provided. Collection method: in vitro. Allele origin: not applicable. Functional consequence: retained intron. Not counted in ClinVar's aggregate classification.

Dr. Peter K. Rogan Lab, Western University
No classification provided (evidence only). Condition: Uterine corpus endometrial carcinoma. Review status: no classification provided. Collection method: in vitro. Allele origin: not applicable. Functional consequence: retained intron. Not counted in ClinVar's aggregate classification.

Dr. Peter K. Rogan Lab, Western University
No classification provided (evidence only). Condition: Sarcoma. Review status: no classification provided. Collection method: in vitro. Allele origin: not applicable. Functional consequence: skipped exon. Not counted in ClinVar's aggregate classification.

Dr. Peter K. Rogan Lab, Western University
No classification provided (evidence only). Condition: Sarcoma. Review status: no classification provided. Collection method: in vitro. Allele origin: not applicable. Functional consequence: retained intron. Not counted in ClinVar's aggregate classification.

Dr. Peter K. Rogan Lab, Western University
No classification provided (evidence only). Condition: Sarcoma. Review status: no classification provided. Collection method: in vitro. Allele origin: not applicable. Functional consequence: skipped exon. Not counted in ClinVar's aggregate classification.

Dr. Peter K. Rogan Lab, Western University
No classification provided (evidence only). Condition: Thymoma. Review status: no classification provided. Collection method: in vitro. Allele origin: not applicable. Functional consequence: skipped exon. Not counted in ClinVar's aggregate classification.

Dr. Peter K. Rogan Lab, Western University
No classification provided (evidence only). Condition: Cholangiocarcinoma. Review status: no classification provided. Collection method: in vitro. Allele origin: not applicable. Functional consequence: skipped exon, retained intron. Not counted in ClinVar's aggregate classification.

Dr. Peter K. Rogan Lab, Western University
No classification provided (evidence only). Condition: Ovarian serous cystadenocarcinoma. Review status: no classification provided. Collection method: in vitro. Allele origin: not applicable. Functional consequence: retained intron. Not counted in ClinVar's aggregate classification.

Dr. Peter K. Rogan Lab, Western University
No classification provided (evidence only). Condition: Ovarian serous cystadenocarcinoma. Review status: no classification provided. Collection method: in vitro. Allele origin: not applicable. Functional consequence: retained intron. Not counted in ClinVar's aggregate classification.

Dr. Peter K. Rogan Lab, Western University
No classification provided (evidence only). Condition: Ovarian serous cystadenocarcinoma. Review status: no classification provided. Collection method: in vitro. Allele origin: not applicable. Functional consequence: retained intron. Not counted in ClinVar's aggregate classification.

Dr. Peter K. Rogan Lab, Western University
No classification provided (evidence only). Condition: Ovarian serous cystadenocarcinoma. Review status: no classification provided. Collection method: in vitro. Allele origin: not applicable. Functional consequence: retained intron. Not counted in ClinVar's aggregate classification.

Dr. Peter K. Rogan Lab, Western University
No classification provided (evidence only). Condition: Ovarian serous cystadenocarcinoma. Review status: no classification provided. Collection method: in vitro. Allele origin: not applicable. Functional consequence: retained intron. Not counted in ClinVar's aggregate classification.

Dr. Peter K. Rogan Lab, Western University
No classification provided (evidence only). Condition: Uveal melanoma. Review status: no classification provided. Collection method: in vitro. Allele origin: not applicable. Functional consequence: skipped exon, retained intron. Not counted in ClinVar's aggregate classification.

Dr. Peter K. Rogan Lab, Western University
No classification provided (evidence only). Condition: Malignant tumor of esophagus. Review status: no classification provided. Collection method: in vitro. Allele origin: not applicable. Functional consequence: retained intron. Not counted in ClinVar's aggregate classification.

Dr. Peter K. Rogan Lab, Western University
No classification provided (evidence only). Condition: Malignant tumor of esophagus. Review status: no classification provided. Collection method: in vitro. Allele origin: not applicable. Functional consequence: skipped exon, retained intron. Not counted in ClinVar's aggregate classification.

Dr. Peter K. Rogan Lab, Western University
No classification provided (evidence only). Condition: Malignant tumor of esophagus. Review status: no classification provided. Collection method: in vitro. Allele origin: not applicable. Functional consequence: skipped exon, retained intron. Not counted in ClinVar's aggregate classification.

Dr. Peter K. Rogan Lab, Western University
No classification provided (evidence only). Condition: Malignant tumor of esophagus. Review status: no classification provided. Collection method: in vitro. Allele origin: not applicable. Functional consequence: retained intron. Not counted in ClinVar's aggregate classification.

Dr. Peter K. Rogan Lab, Western University
No classification provided (evidence only). Condition: Malignant tumor of esophagus. Review status: no classification provided. Collection method: in vitro. Allele origin: not applicable. Functional consequence: retained intron. Not counted in ClinVar's aggregate classification.